The following is an entry in ClinVar:

NM_001099922.3(ALG13):c.3095G>A (p.Cys1032Tyr)

Gene: ALG13 (ALG13 UDP-N-acetylglucosaminyltransferase subunit; plus strand). Cytogenetic location: Xq23.
Variant type: single nucleotide variant.
Coding change: c.3095G>A on transcript NM_001099922.3 (MANE Select); coding-DNA position 3095, G replaced by A.
Protein change: p.Cys1032Tyr; replaces cysteine 1032 with tyrosine.
Molecular consequence: missense variant. On other transcripts: non-coding transcript variant (1).
Genome position (GRCh38, 1-based): chrX:111,757,709, G>A. VCF-style: chrX-111757709-G-A. GRCh37 (hg19) VCF-style: chrX-111000937-G-A.
Other names: c.2546G>A, p.Cys849Tyr (NM_001257230.2, NM_001257234.2, NM_001257237.2); c.2861G>A, p.Cys954Tyr (NM_001257231.2); c.2858G>A, p.Cys953Tyr (NM_001324292.2); c.2372G>A, p.Cys791Tyr (NM_001324293.1); short protein forms C849Y, C953Y, C1032Y, C954Y, C791Y.
Identifiers: ClinVar variation 2768915 (VCV002768915.3), dbSNP rs2526556129, ClinGen allele CA414292754.
Genomic context (GRCh38, chrX:111,757,709, plus strand): 5'-ATGTAGAGAATTATCCAGTCTATACTGAGCCACCTCTGGTAGATCAAACCGTTCCTCAAT[G>A]CTACAGTGAGGTGAGGAGAGAAGATGGCATACAGGCGGAAGCATCAGCAAATGGTGAGTG-3'
Protein context (NP_001093392.1, residues 1022-1042): PPLVDQTVPQ[Cys1032Tyr]YSEVRREDGI

ClinVar aggregate classification (germline): Uncertain significance (1 of 4 stars; one submission).

Conditions:
Developmental and epileptic encephalopathy, 36 (DEE36). Also called: Epileptic encephalopathy, early infantile, 36; Congenital disorder of glycosylation, type Is; ALG13-CDG. Identifiers: Orphanet 324422, MedGen C4317295, MONDO:0010472, OMIM 300884.

Submission:

Labcorp Genetics (formerly Invitae), Labcorp
Classification: Uncertain significance for Developmental and epileptic encephalopathy, 36. Last evaluated: 2023-10-16. Review status: criteria provided, single submitter. Criteria: Invitae Variant Classification Sherloc (09022015). Collection method: clinical testing. Allele origin: germline.
Comment: This sequence change replaces cysteine, which is neutral and slightly polar, with tyrosine, which is neutral and polar, at codon 1032 of the ALG13 protein (p.Cys1032Tyr). This variant is not present in population databases (gnomAD no frequency). This variant has not been reported in the literature in individuals affected with ALG13-related conditions. An algorithm developed to predict the effect of missense changes on protein structure and function (PolyPhen-2) suggests that this variant is likely to be tolerated. In summary, the available evidence is currently insufficient to determine the role of this variant in disease. Therefore, it has been classified as a Variant of Uncertain Significance.